The following is an entry in ClinVar:

NM_018026.4(PACS1):c.1351A>G (p.Ser451Gly)

Gene: PACS1 (phosphofurin acidic cluster sorting protein 1; plus strand). Cytogenetic location: 11q13.2.
Variant type: single nucleotide variant.
Coding change: c.1351A>G on transcript NM_018026.4 (MANE Select); coding-DNA position 1351, A replaced by G.
Protein change: p.Ser451Gly; replaces serine 451 with glycine.
Molecular consequence: missense variant.
Genome position (GRCh38, 1-based): chr11:66,227,561, A>G. VCF-style: chr11-66227561-A-G. GRCh37 (hg19) VCF-style: chr11-65995032-A-G.
Other names: short protein forms S451G.
Identifiers: ClinVar variation 4685248 (VCV004685248.1).

ClinVar aggregate classification (germline): Uncertain significance (1 of 4 stars; one submission).

Submission:

GeneDx
Classification: Uncertain significance. Last evaluated: 2025-07-07. Review status: criteria provided, single submitter. Criteria: GeneDx Variant Classification Process June 2021. Collection method: clinical testing. Allele origin: germline. Affected: yes.
Comment: Not observed at significant frequency in large population cohorts (gnomAD); In silico analysis suggests that this missense variant does not alter protein structure/function; Has not been previously published as pathogenic or benign to our knowledge.